The following is an entry in ClinVar:

NM_031407.7(HUWE1):c.2974G>A (p.Gly992Arg)

Gene: HUWE1 (HECT, UBA and WWE domain containing E3 ubiquitin protein ligase 1; minus strand). Cytogenetic location: Xp11.22.
Variant type: single nucleotide variant.
Coding change: c.2974G>A on transcript NM_031407.7 (MANE Select); coding-DNA position 2974, G replaced by A.
Protein change: p.Gly992Arg; replaces glycine 992 with arginine.
Molecular consequence: missense variant.
Genome position (GRCh38, 1-based): chrX:53,600,307, C>T on the plus strand (G>A on the coding strand, the complement: HUWE1 is on the minus strand). VCF-style: chrX-53600307-C-T. GRCh37 (hg19) VCF-style: chrX-53627267-C-T.
Other names: short protein forms G992R.
Identifiers: ClinVar variation 3767637 (VCV003767637.1).

ClinVar aggregate classification (germline): Uncertain significance (1 of 4 stars; one submission).

gnomAD v4.1: 2 of 1,193,994 alleles (0.00017%); highest among the groups gnomAD compares: Non-Finnish European, 0.00023%; no homozygotes.

Submission:

GeneDx
Classification: Uncertain significance. Last evaluated: 2024-09-04. Review status: criteria provided, single submitter. Criteria: GeneDx Variant Classification Process June 2021. Collection method: clinical testing. Allele origin: germline. Affected: yes.
Comment: In silico analysis indicates that this missense variant does not alter protein structure/function; Not observed at significant frequency in large population cohorts (gnomAD); Has not been previously published as pathogenic or benign to our knowledge